The following is an entry in ClinVar:

NM_001918.5(DBT):c.1282-13T>A

Gene: DBT (dihydrolipoamide branched chain transacylase E2; minus strand). Cytogenetic location: 1p21.2.
Variant type: single nucleotide variant.
Coding change: c.1282-13T>A on transcript NM_001918.5 (MANE Select); 13 bases into the intron before coding-DNA position 1282, T replaced by A.
Molecular consequence: intron variant.
Genome position (GRCh38, 1-based): chr1:100,196,435, A>T on the plus strand (T>A on the coding strand, the complement: DBT is on the minus strand). VCF-style: chr1-100196435-A-T. GRCh37 (hg19) VCF-style: chr1-100661991-A-T.
Other names: c.1282-13T>A (NM_001918.3).
Identifiers: ClinVar variation 1620962 (VCV001620962.10), dbSNP rs1374973220, ClinGen allele CA524730386.
Genomic context (GRCh38, chr1:100,196,435, plus strand): 5'-TATCTGTGCCTTATATACTTCTCCTTTCTGGTTAAATCGGGGAATGGCCTAGAAATGAAA[A>T]AAAAAAAAAAAAAAAAAAAAAAAAGAACAAAGAGTAAACCTTCACTTGTTCAGAGCTCAA-3'

ClinVar aggregate classification (germline): Likely benign. Review status: criteria provided, single submitter (1 of 4 stars). 2 submissions from 2 submitters: Likely benign (1). 1 of the submissions does not count toward it. Last evaluated 2025-12-16.

Conditions:
Maple syrup urine disease (MSUD). Identifiers: Orphanet 511, MedGen C0024776, MeSH D008375, MONDO:0009563. Disease mechanism: loss of function.
DBT-related disorder. Also called: DBT-related condition.

Submissions (2):

Labcorp Genetics (formerly Invitae), Labcorp
Classification: Likely benign for Maple syrup urine disease. Last evaluated: 2025-12-16. Review status: criteria provided, single submitter. Criteria: Invitae Variant Classification Sherloc (09022015). Collection method: clinical testing. Allele origin: germline.

PreventionGenetics, part of Exact Sciences
Classification: Likely benign for DBT-related condition. Last evaluated: 2022-07-13. Review status: no assertion criteria provided. Collection method: clinical testing. Allele origin: germline. Not counted in ClinVar's aggregate classification.
Comment: This variant is classified as likely benign based on ACMG/AMP sequence variant interpretation guidelines (Richards et al. 2015 PMID: 25741868, with internal and published modifications).